The following is an entry in ClinVar:

NM_014780.5(CUL7):c.785C>T (p.Ser262Leu)

Gene: CUL7 (cullin 7; minus strand). Cytogenetic location: 6p21.1.
Variant type: single nucleotide variant.
Coding change: c.785C>T on transcript NM_014780.5 (MANE Select); coding-DNA position 785, C replaced by T.
Protein change: p.Ser262Leu; replaces serine 262 with leucine.
Molecular consequence: missense variant.
Genome position (GRCh38, 1-based): chr6:43,051,416, G>A on the plus strand (C>T on the coding strand, the complement: CUL7 is on the minus strand). VCF-style: chr6-43051416-G-A. GRCh37 (hg19) VCF-style: chr6-43019154-G-A.
Other names: c.881C>T, p.Ser294Leu (NM_001168370.2, NM_001374872.1); c.785C>T, p.Ser262Leu (NM_001374873.1, NM_001374874.1); short protein forms S262L, S294L.
Identifiers: ClinVar variation 290781 (VCV000290781.7), dbSNP rs764858516, ClinGen allele CA10606905.

ClinVar aggregate classification (germline): Uncertain significance. Review status: criteria provided, multiple submitters, no conflicts (2 of 4 stars). 3 submissions from 3 submitters: Uncertain significance (3). Last evaluated 2022-07-12.

Allele frequency attached by ClinVar (database versions not stated): gnomAD 0.00003; TOPMed 0.00003.
gnomAD v4.1: 25 of 1,613,956 alleles (0.0015%); highest among the groups gnomAD compares: Admixed American, 0.0067%; no homozygotes.

Submissions (3):

Labcorp Genetics (formerly Invitae), Labcorp
Classification: Uncertain significance. Last evaluated: 2022-07-12. Review status: criteria provided, single submitter. Criteria: Invitae Variant Classification Sherloc (09022015). Collection method: clinical testing. Allele origin: germline.
Comment: This sequence change replaces serine, which is neutral and polar, with leucine, which is neutral and non-polar, at codon 262 of the CUL7 protein (p.Ser262Leu). This variant is present in population databases (no rsID available, gnomAD 0.01%). This variant has not been reported in the literature in individuals affected with CUL7-related conditions. ClinVar contains an entry for this variant (Variation ID: 290781). Algorithms developed to predict the effect of missense changes on protein structure and function (SIFT, PolyPhen-2, Align-GVGD) all suggest that this variant is likely to be tolerated. In summary, the available evidence is currently insufficient to determine the role of this variant in disease. Therefore, it has been classified as a Variant of Uncertain Significance.

Eurofins Ntd Llc (ga)
Classification: Uncertain significance. Last evaluated: 2016-09-02. Review status: criteria provided, single submitter. Criteria: EGL Classification Definitions 2015. Collection method: clinical testing. Allele origin: germline. Observed: 1 variant allele, 1 heterozygote.

Breakthrough Genomics
Classification: Uncertain significance. Review status: criteria provided, single submitter. Criteria: ACMG Guidelines, 2015. Collection method: not provided. Allele origin: germline. Inheritance: Autosomal recessive inheritance. Affected: yes.